The following is an entry in ClinVar:

ClinVar aggregate classification (germline): Likely benign (1 of 4 stars; one submission).

Conditions:
GLIS3-related disorder. Also called: GLIS3-related condition.

Submission:

PreventionGenetics, part of Exact Sciences
Classification: Likely benign for GLIS3-related condition. Last evaluated: 2026-06-16. Review status: criteria provided, single submitter. Criteria: ACMG Guidelines, 2015. Collection method: clinical testing. Allele origin: germline.
Comment: This variant is classified as likely benign based on ACMG/AMP sequence variant interpretation guidelines (Richards et al. 2015 PMID: 25741868, with internal and published modifications).

NM_001042413.2(GLIS3):c.2712G>C (p.Gly904=)

Gene: GLIS3 (GLIS family zinc finger 3; minus strand). Cytogenetic location: 9p24.2.
Variant type: single nucleotide variant.
Coding change: c.2712G>C on transcript NM_001042413.2 (MANE Select); coding-DNA position 2712, G replaced by C.
Protein change: p.Gly904=; no amino-acid change (glycine 904 retained).
Molecular consequence: synonymous variant.
Genome position (GRCh38, 1-based): chr9:3,828,353, C>G on the plus strand (G>C on the coding strand, the complement: GLIS3 is on the minus strand). VCF-style: chr9-3828353-C-G. GRCh37 (hg19) VCF-style: chr9-3828353-C-G.
Other names: c.2712G>C, p.Gly904= (NM_001438906.1, NM_001438907.1, NM_001438908.1); c.2247G>C, p.Gly749= (NM_001438909.1, NM_152629.4); c.2046G>C, p.Gly682= (NM_001438911.1, NM_001438912.1).
Identifiers: ClinVar variation 4992716 (VCV004992716.1).